The following is an entry in ClinVar:

ClinVar aggregate classification (germline): Likely pathogenic (1 of 4 stars; one submission).

Submission:

Labcorp Genetics (formerly Invitae), Labcorp
Classification: Likely pathogenic. Last evaluated: 2019-04-06. Review status: criteria provided, single submitter. Criteria: Invitae Variant Classification Sherloc (09022015). Collection method: clinical testing. Allele origin: germline.
Comment: In summary, the currently available evidence indicates that the variant is pathogenic, but additional data are needed to prove that conclusively. Therefore, this variant has been classified as Likely Pathogenic. Donor and acceptor splice site variants typically lead to a loss of protein function (PMID: 16199547), and loss-of-function variants in NTHL1 are known to be pathogenic (PMID: 25938944, 26559593). This sequence change affects an acceptor splice site in intron 1 of the NTHL1 gene. It is expected to disrupt RNA splicing and likely results in an absent or disrupted protein product. This variant is not present in population databases (ExAC no frequency). This variant has not been reported in the literature in individuals with NTHL1-related conditions.

Literature cited by the submitters: PubMed 16199547; PubMed 25938944; PubMed 26559593.

NM_002528.7(NTHL1):c.116-1_116delinsCT

Gene: NTHL1 (nth like DNA glycosylase 1; minus strand). Cytogenetic location: 16p13.3.
Variant type: Indel.
Coding change: c.116-1_116delinsCT on transcript NM_002528.7 (MANE Select); the canonical splice acceptor site of the intron before coding-DNA position 116 through coding-DNA position 116, GA replaced by CT.
Molecular consequence: splice acceptor variant.
Genome position (GRCh38, 1-based): chr16:2,046,366-2,046,367, TC replaced by AG on the plus strand (GA replaced by CT on the coding strand, the reverse complement: NTHL1 is on the minus strand). VCF-style: chr16-2046366-TC-AG. GRCh37 (hg19) VCF-style: chr16-2096367-TC-AG.
Other names: c.-63-1_-63delinsCT (NM_001318194.2); c.116-1_116delinsCT (NM_001318193.2).
Identifiers: ClinVar variation 836641 (VCV000836641.7), dbSNP rs2084387940, ClinGen allele CA916081754.